The following is an entry in ClinVar:

ClinVar aggregate classification (germline): Uncertain significance (1 of 4 stars; one submission).

Conditions:
Fanconi anemia (FA). Also called: Fanconi's anemia. Identifiers: Orphanet 84, MedGen C0015625, MeSH D005199, MONDO:0019391.

Submission:

Labcorp Genetics (formerly Invitae), Labcorp
Classification: Uncertain significance for Fanconi anemia. Last evaluated: 2024-05-08. Review status: criteria provided, single submitter. Criteria: Invitae Variant Classification Sherloc (09022015). Collection method: clinical testing. Allele origin: germline.
Comment: This sequence change replaces glycine, which is neutral and non-polar, with alanine, which is neutral and non-polar, at codon 144 of the FANCG protein (p.Gly144Ala). This variant is not present in population databases (gnomAD no frequency). This variant has not been reported in the literature in individuals affected with FANCG-related conditions. ClinVar contains an entry for this variant (Variation ID: 1430364). Advanced modeling of protein sequence and biophysical properties (such as structural, functional, and spatial information, amino acid conservation, physicochemical variation, residue mobility, and thermodynamic stability) performed at Invitae indicates that this missense variant is not expected to disrupt FANCG protein function with a negative predictive value of 80%. In summary, the available evidence is currently insufficient to determine the role of this variant in disease. Therefore, it has been classified as a Variant of Uncertain Significance.

NM_004629.2(FANCG):c.431G>C (p.Gly144Ala)

Gene: FANCG (FA complementation group G; minus strand). Cytogenetic location: 9p13.3.
Variant type: single nucleotide variant.
Coding change: c.431G>C on transcript NM_004629.2 (MANE Select); coding-DNA position 431, G replaced by C.
Protein change: p.Gly144Ala; replaces glycine 144 with alanine.
Molecular consequence: missense variant.
Genome position (GRCh38, 1-based): chr9:35,078,220, C>G on the plus strand (G>C on the coding strand, the complement: FANCG is on the minus strand). VCF-style: chr9-35078220-C-G. GRCh37 (hg19) VCF-style: chr9-35078217-C-G.
Other names: short protein forms G144A.
Identifiers: ClinVar variation 1430364 (VCV001430364.6), dbSNP rs767880403, ClinGen allele CA373314418.
Genomic context (GRCh38, chr9:35,078,220, plus strand): 5'-TCTAGTAACAAGGCCAGGTCCCCAAGACGGTCAGCACTCAACCAGAGGGCAGCCTGCAGG[C>G]CAACCAGGCGGTGCAGGGCAGACAGCAGCTCCGGCAGAAGGCAGGAAGCACGAAGGACAG-3'
Protein context (NP_004620.1, residues 134-154): ELLSALHRLV[Gly144Ala]LQAALWLSAD